The following is an entry in ClinVar:

ClinVar aggregate classification (germline): Uncertain significance. Review status: reviewed by expert panel (3 of 4 stars). 2 submissions from 2 submitters: Uncertain significance (1). 1 of the submissions does not count toward it. Last evaluated 2024-09-05.

Conditions:
Glanzmann thrombasthenia. Also called: BLEEDING DISORDER, PLATELET-TYPE, 2; THROMBASTHENIA OF GLANZMANN AND NAEGELI; PLATELET GLYCOPROTEIN IIb-IIIa DEFICIENCY; Thrombasthenia; Glanzmann's thrombasthenia. Identifiers: Orphanet 849, MedGen C0040015, MONDO:0100326.

Allele frequency attached by ClinVar (database versions not stated): gnomAD exomes below 0.00001 and 0.00003; ExAC 0.00001; gnomAD 0.00007 and 0.00009.
gnomAD v4.1: 54 of 1,614,076 alleles (0.0033%); highest among the groups gnomAD compares: African/African-American, 0.008%; no homozygotes.

Submissions (2):

ClinGen Platelet Disorders Variant Curation Expert Panel, ClinGen
Classification: Uncertain significance for Glanzmann thrombasthenia. Last evaluated: 2024-09-05. Review status: reviewed by expert panel. Criteria: ClinGen Platelet ACMG Specifications v2-1. Collection method: curation. Allele origin: germline. Inheritance: Autosomal recessive inheritance.
Comment: The p.Arg228His variant on ITGB3 gene is a missense variant that has been reported previously in the context of Glanzmann Thrombasthenia (PMID: 25728920). Multiple in silico tools predict this variant to be deleterious (REVEL score = 0.89; PP3). This variant is rare in large population databases with a MAF of 0.00008008 (6/74924) in the African subpopulation of gnomADv4.1 which is lower than the PD-VCEP threshold of <0.0001 (PM2_supporting). This variant has been reported in homozygosity in two symptomatic siblings who meet diagnostic criteria for GT phenotype (PMID: 25728920). However, the siblings are homozygous for both c.614+1G>T and Arg228His and while this splice variant is Likely Pathogenic an impact of the missense variant can not be excluded so this case has not been considered in the classification of this variant. This variant meets criteria for PP3 and PM2_supporting and is classified as a VUS.

Labcorp Genetics (formerly Invitae), Labcorp
Classification: Uncertain significance. Last evaluated: 2024-02-25. Review status: criteria provided, single submitter. Criteria: Invitae Variant Classification Sherloc (09022015). Collection method: clinical testing. Allele origin: germline. Not counted in ClinVar's aggregate classification.
Comment: This sequence change replaces arginine, which is basic and polar, with histidine, which is basic and polar, at codon 228 of the ITGB3 protein (p.Arg228His). This variant is present in population databases (rs756689153, gnomAD 0.008%). This missense change has been observed in individual(s) with Glanzmann thrombasthenia (PMID: 25728920). ClinVar contains an entry for this variant (Variation ID: 1210168). Advanced modeling of protein sequence and biophysical properties (such as structural, functional, and spatial information, amino acid conservation, physicochemical variation, residue mobility, and thermodynamic stability) performed at Invitae indicates that this missense variant is not expected to disrupt ITGB3 protein function with a negative predictive value of 80%. In summary, the available evidence is currently insufficient to determine the role of this variant in disease. Therefore, it has been classified as a Variant of Uncertain Significance.

Literature cited by the submitters: PubMed 25728920 (cited by Labcorp Genetics (formerly Invitae), Labcorp).

NM_000212.3(ITGB3):c.683G>A (p.Arg228His)

Gene: ITGB3 (integrin subunit beta 3; plus strand). Cytogenetic location: 17q21.32.
Variant type: single nucleotide variant.
Coding change: c.683G>A on transcript NM_000212.3 (MANE Select); coding-DNA position 683, G replaced by A.
Protein change: p.Arg228His; replaces arginine 228 with histidine.
Molecular consequence: missense variant.
Genome position (GRCh38, 1-based): chr17:47,286,328, G>A. VCF-style: chr17-47286328-G-A. GRCh37 (hg19) VCF-style: chr17-45363694-G-A.
Other names: short protein forms R228H.
Identifiers: ClinVar variation 1210168 (VCV001210168.6), dbSNP rs756689153, ClinGen allele CA8623025.